The following is an entry in ClinVar:

NM_016156.6(MTMR2):c.80G>C (p.Ser27Thr)

Gene: MTMR2 (myotubularin related protein 2; minus strand). Cytogenetic location: 11q21.
Variant type: single nucleotide variant.
Coding change: c.80G>C on transcript NM_016156.6 (MANE Select); coding-DNA position 80, G replaced by C.
Protein change: p.Ser27Thr; replaces serine 27 with threonine.
Molecular consequence: missense variant. On other transcripts: 5 prime UTR variant (3).
Genome position (GRCh38, 1-based): chr11:95,923,875, C>G on the plus strand (G>C on the coding strand, the complement: MTMR2 is on the minus strand). VCF-style: chr11-95923875-C-G. GRCh37 (hg19) VCF-style: chr11-95657039-C-G.
Other names: c.-404G>C (NM_001243571.2); c.-331G>C (NM_201278.3); c.-208G>C (NM_201281.3); short protein forms S27T.
Identifiers: ClinVar variation 245770 (VCV000245770.18), dbSNP rs879253940, ClinGen allele CA10584393.

ClinVar aggregate classification (germline): Uncertain significance. Review status: criteria provided, multiple submitters, no conflicts (2 of 4 stars). 6 submissions from 6 submitters: Uncertain significance (6). Last evaluated 2026-08-31.

Conditions:
Inborn genetic diseases. Identifiers: MedGen C0950123, MeSH D030342.
Charcot-Marie-Tooth disease type 4. Also called: Charcot-Marie-Tooth disease, type IV; Charcot-Marie-Tooth, Type 4. Identifiers: Orphanet 64749, MedGen C4082197, MONDO:0018995.
Charcot-Marie-Tooth disease type 4B1. Also called: CHARCOT-MARIE-TOOTH DISEASE, DEMYELINATING, TYPE 4B1; Charcot-Marie-Tooth Neuropathy Type 4B1; CHARCOT-MARIE-TOOTH DISEASE, AUTOSOMAL RECESSIVE, WITH FOCALLY FOLDED MYELIN SHEATHS, AUTOSOMAL RECESSIVE, TYPE 4B1; CHARCOT-MARIE-TOOTH DISEASE, TYPE 4B. Identifiers: Orphanet 99955, MedGen C1832399, MONDO:0011066, OMIM 601382.

Allele frequency attached by ClinVar (database versions not stated): gnomAD exomes 0.00002; gnomAD 0.00005; TOPMed 0.00006.
gnomAD v4.1: 38 of 1,553,432 alleles (0.0024%); highest among the groups gnomAD compares: African/African-American, 0.0041%; 1 homozygote.

Submissions (7):

GeneDx
Classification: Uncertain significance. Last evaluated: 2026-08-31. Review status: criteria provided, single submitter. Criteria: GeneDx Variant Classification Process June 2021. Collection method: clinical testing. Allele origin: germline.
Comment: Alters the last nucleotide of the exon and is predicted to destroy the splice donor site and result in aberrant splicing, although in the absence of functional evidence the actual effect of this sequence change is unknown; In silico analysis suggests that this missense variant does not alter protein structure/function; Has not been previously published as pathogenic or benign to our knowledge

Blueprint Genetics
Classification: Uncertain significance. Last evaluated: 2024-11-13. Review status: criteria provided, single submitter. Criteria: ACMG Guidelines, 2015. Collection method: clinical testing. Allele origin: germline.

Labcorp Genetics (formerly Invitae), Labcorp
Classification: Uncertain significance for Charcot-Marie-Tooth disease type 4. Last evaluated: 2022-10-13. Review status: criteria provided, single submitter. Criteria: Invitae Variant Classification Sherloc (09022015). Collection method: clinical testing. Allele origin: germline.
Comment: This sequence change replaces serine, which is neutral and polar, with threonine, which is neutral and polar, at codon 27 of the MTMR2 protein (p.Ser27Thr). This variant also falls at the last nucleotide of exon 1, which is part of the consensus splice site for this exon. This variant is present in population databases (no rsID available, gnomAD 0.006%). This variant has not been reported in the literature in individuals affected with MTMR2-related conditions. ClinVar contains an entry for this variant (Variation ID: 245770). Algorithms developed to predict the effect of missense changes on protein structure and function (SIFT, PolyPhen-2, Align-GVGD) all suggest that this variant is likely to be tolerated. Variants that disrupt the consensus splice site are a relatively common cause of aberrant splicing (PMID: 17576681, 9536098). Algorithms developed to predict the effect of sequence changes on RNA splicing suggest that this variant may disrupt the consensus splice site. In summary, the available evidence is currently insufficient to determine the role of this variant in disease. Therefore, it has been classified as a Variant of Uncertain Significance.

Ambry Genetics
Classification: Uncertain significance for Inborn genetic diseases. Last evaluated: 2021-12-21. Review status: criteria provided, single submitter. Criteria: Ambry Variant Classification Scheme 2023. Collection method: clinical testing. Allele origin: germline.
Comment: The p.S27T variant (also known as c.80G>C), located in coding exon 1 of the MTMR2 gene, results from a G to C substitution at nucleotide position 80. The serine at codon 27 is replaced by threonine, an amino acid with similar properties. However, this change occurs in the last base pair of coding exon 1, which makes it likely to have some effect on normal mRNA splicing. This nucleotide position is highly conserved in available vertebrate species. This amino acid position is highly conserved in available vertebrate species. In silico splice site analysis predicts that this alteration will weaken the native splice donor site. In addition, as a missense substitution this alteration is predicted to be tolerated by in silico analysis. Since supporting evidence is limited at this time, the clinical significance of this alteration remains unclear.

Breda Genetics srl
Classification: Uncertain significance for Charcot-Marie-Tooth disease type 4B1. Last evaluated: 2021-04-20. Review status: criteria provided, single submitter. Criteria: ACMG Guidelines, 2015. Collection method: clinical testing. Allele origin: germline. Inheritance: Autosomal recessive inheritance. Affected: yes. Observed: 1 variant allele, 1 heterozygote.
Comment: Based on allele frequency, in-silico prediction scores and a certain overlap with the clinical phenotype, we interpreted this variant at least as of uncertain significance. The lack of one or more of the following features has discouraged further investigations: lack of a possible second hit in autosomal recessive conditions, presence of healthy controls in databases for autosomal dominant conditions, presence of unmatching cardinal clinical features in the patient or in the known gene-disease association, and/or variant type outside the known gene mutational spectrum.

Illumina Laboratory Services, Illumina
Classification: Uncertain significance for Charcot-Marie-Tooth disease type 4B1. Last evaluated: 2018-01-12. Review status: criteria provided, single submitter. Criteria: ICSL Variant Classification Criteria 13 December 2019. Collection method: clinical testing. Allele origin: germline.

Dr. Peter K. Rogan Lab, Western University
No classification provided (evidence only). Condition: Thymoma. Review status: no classification provided. Collection method: in vitro. Allele origin: not applicable. Functional consequence: retained intron. Not counted in ClinVar's aggregate classification.

Literature cited by the submitters: PubMed 17576681 (cited by Labcorp Genetics (formerly Invitae), Labcorp); PubMed 9536098 (cited by Labcorp Genetics (formerly Invitae), Labcorp).